The following is an entry in ClinVar:

NM_019005.4(MIOS):c.2310T>G (p.Ser770=)

Gene: MIOS (meiosis regulator for oocyte development; plus strand). Cytogenetic location: 7p21.3.
Variant type: single nucleotide variant.
Coding change: c.2310T>G on transcript NM_019005.4 (MANE Select); coding-DNA position 2310, T replaced by G.
Protein change: p.Ser770=; no amino-acid change (serine 770 retained).
Molecular consequence: synonymous variant. On other transcripts: non-coding transcript variant (1).
Genome position (GRCh38, 1-based): chr7:7,596,370, T>G. VCF-style: chr7-7596370-T-G. GRCh37 (hg19) VCF-style: chr7-7636001-T-G.
Other names: c.2310T>G, p.Ser770= (NM_001370076.1, NM_001370077.1, NM_001370080.1); c.1998T>G, p.Ser666= (NM_001370078.1).
Identifiers: ClinVar variation 2657319 (VCV002657319.24), dbSNP rs748191896, ClinGen allele CA4160892.

ClinVar aggregate classification (germline): Likely benign (1 of 4 stars; one submission).

Allele frequency attached by ClinVar (database versions not stated): ExAC 0.00010; TOPMed 0.00012; gnomAD 0.00015; gnomAD exomes 0.00020.
gnomAD v4.1: 306 of 1,614,094 alleles (0.019%); highest among the groups gnomAD compares: Non-Finnish European, 0.025%; no homozygotes.

Submission:

CeGaT Center for Human Genetics Tuebingen
Classification: Likely benign. Last evaluated: 2022-04-01. Review status: criteria provided, single submitter. Criteria: CeGaT Center For Human Genetics Tuebingen Variant Classification Criteria Version 2. Collection method: clinical testing. Allele origin: germline. Affected: yes. Observed: 1 variant allele.
Comment: MIOS: BP4, BP7